The following is an entry in ClinVar:

NM_015374.3(SUN2):c.1258G>A (p.Gly420Ser)

Genes: GTPBP1 (GTP binding protein 1; plus strand), SUN2 (Sad1 and UNC84 domain containing 2; minus strand). Cytogenetic location: 22q13.1.
Variant type: single nucleotide variant.
Coding change: c.1258G>A on transcript NM_015374.3 (MANE Select); coding-DNA position 1258, G replaced by A.
Protein change: p.Gly420Ser; replaces glycine 420 with serine.
Molecular consequence: missense variant.
Genome position (GRCh38, 1-based): chr22:38,740,365, C>T on the plus strand (G>A on the coding strand, the complement: SUN2 is on the minus strand). VCF-style: chr22-38740365-C-T. GRCh37 (hg19) VCF-style: chr22-39136370-C-T.
Other names: c.1321G>A, p.Gly441Ser (NM_001199579.2); c.1258G>A, p.Gly420Ser (NM_001199580.2); short protein forms G420S, G441S.
Identifiers: ClinVar variation 530824 (VCV000530824.12), dbSNP rs376340507, ClinGen allele CA10235610.

ClinVar aggregate classification (germline): Uncertain significance (1 of 4 stars; one submission).

Conditions:
Emery-Dreifuss muscular dystrophy (EDMD). Also called: Scapuloperoneal syndrome, X-linked (formerly); Humeroperoneal neuromuscular disease, (formerly). Identifiers: Orphanet 261, MedGen C0410189, MONDO:0016830.

Allele frequency attached by ClinVar (database versions not stated): ExAC 0.00003; gnomAD exomes 0.00003 and 0.00004; ESP Exome Variant Server 0.00015; gnomAD 0.00015 and 0.00016; TOPMed 0.00016.
gnomAD v4.1: 70 of 1,578,638 alleles (0.0044%); highest among the groups gnomAD compares: African/African-American, 0.032%; no homozygotes.

Submission:

Labcorp Genetics (formerly Invitae), Labcorp
Classification: Uncertain significance for Emery-Dreifuss muscular dystrophy. Last evaluated: 2025-12-01. Review status: criteria provided, single submitter. Criteria: Invitae Variant Classification Sherloc (09022015). Collection method: clinical testing. Allele origin: germline.
Comment: This sequence change replaces glycine, which is neutral and non-polar, with serine, which is neutral and polar, at codon 420 of the SUN2 protein (p.Gly420Ser). This variant is present in population databases (rs376340507, gnomAD 0.04%). This variant has not been reported in the literature in individuals affected with SUN2-related conditions. ClinVar contains an entry for this variant (Variation ID: 530824). An algorithm developed to predict the effect of missense changes on protein structure and function outputs the following: PolyPhen-2: "Benign". The serine amino acid residue is found in multiple mammalian species, which suggests that this missense change does not adversely affect protein function. In summary, the available evidence is currently insufficient to determine the role of this variant in disease. Therefore, it has been classified as a Variant of Uncertain Significance.